The following is an entry in ClinVar:

NM_000037.4(ANK1):c.4019T>G (p.Leu1340Arg)

Gene: ANK1 (ankyrin 1; minus strand). Cytogenetic location: 8p11.21.
Variant type: single nucleotide variant.
Coding change: c.4019T>G on transcript NM_000037.4 (MANE Select); coding-DNA position 4019, T replaced by G.
Protein change: p.Leu1340Arg; replaces leucine 1340 with arginine.
Molecular consequence: missense variant.
Genome position (GRCh38, 1-based): chr8:41,690,312, A>C on the plus strand (T>G on the coding strand, the complement: ANK1 is on the minus strand). VCF-style: chr8-41690312-A-C. GRCh37 (hg19) VCF-style: chr8-41547830-A-C.
Other names: c.4142T>G, p.Leu1381Arg (NM_001142446.2); c.4019T>G, p.Leu1340Arg (NM_020475.3, NM_020476.3, NM_020477.3); short protein forms L1381R, L1340R.
Identifiers: ClinVar variation 4746600 (VCV004746600.1).

ClinVar aggregate classification (germline): Uncertain significance (1 of 4 stars; one submission).

Submission:

Labcorp Genetics (formerly Invitae), Labcorp
Classification: Uncertain significance. Last evaluated: 2025-05-30. Review status: criteria provided, single submitter. Criteria: Invitae Variant Classification Sherloc (09022015). Collection method: clinical testing. Allele origin: germline.
Comment: This sequence change replaces leucine, which is neutral and non-polar, with arginine, which is basic and polar, at codon 1340 of the ANK1 protein (p.Leu1340Arg). This variant is not present in population databases (gnomAD no frequency). This missense change has been observed in individual(s) with clinical features of hereditary spherocytosis (internal data). Invitae Evidence Modeling of protein sequence and biophysical properties (such as structural, functional, and spatial information, amino acid conservation, physicochemical variation, residue mobility, and thermodynamic stability) has been performed for this missense variant. However, the output from this modeling did not meet the statistical confidence thresholds required to predict the impact of this variant on ANK1 protein function. This variant disrupts the p.Leu1340 amino acid residue in ANK1. Other variant(s) that disrupt this residue have been determined to be pathogenic (PMID: 24903897, 36676098). This suggests that this residue is clinically significant, and that variants that disrupt this residue are likely to be disease-causing. In summary, the available evidence is currently insufficient to determine the role of this variant in disease. Therefore, it has been classified as a Variant of Uncertain Significance.

Literature cited by the submitters: PubMed 24903897; PubMed 36676098.